The following is an entry in ClinVar:

NM_000535.7(PMS2):c.448C>T (p.Pro150Ser)

Gene: PMS2 (PMS1 homolog 2, mismatch repair system component; minus strand). Cytogenetic location: 7p22.1.
Variant type: single nucleotide variant.
Coding change: c.448C>T on transcript NM_000535.7 (MANE Select); coding-DNA position 448, C replaced by T.
Protein change: p.Pro150Ser; replaces proline 150 with serine.
Molecular consequence: missense variant. On other transcripts: 5 prime UTR variant (2), non-coding transcript variant (1).
Genome position (GRCh38, 1-based): chr7:6,002,542, G>A on the plus strand (C>T on the coding strand, the complement: PMS2 is on the minus strand). VCF-style: chr7-6002542-G-A. GRCh37 (hg19) VCF-style: chr7-6042173-G-A.
Other names: c.43C>T, p.Pro15Ser (NM_001322003.2, NM_001322004.2, NM_001322005.2 and 3 more transcripts); c.448C>T, p.Pro150Ser (NM_001322006.2, NM_001322014.2); c.130C>T, p.Pro44Ser (NM_001322007.2, NM_001322008.2); c.-437C>T (NM_001322011.2, NM_001322012.2); c.139C>T, p.Pro47Ser (NM_001322015.2); short protein forms P150S, P15S, P44S, P47S.
Identifiers: ClinVar variation 411033 (VCV000411033.58), dbSNP rs1060503120, ClinGen allele CA16612400.

ClinVar aggregate classification (germline): Uncertain significance. Review status: criteria provided, multiple submitters, no conflicts (2 of 4 stars). 3 submissions from 3 submitters: Uncertain significance (3). Last evaluated 2024-08-02.

Conditions:
Hereditary nonpolyposis colorectal neoplasms. Identifiers: MedGen C0009405, MeSH D003123.
Hereditary cancer-predisposing syndrome. Also called: Tumor predisposition; Hereditary Cancer Syndrome; Hereditary neoplastic syndrome; Neoplastic Syndromes, Hereditary. Identifiers: Orphanet 140162, MedGen C0027672, MeSH D009386, MONDO:0015356.

Submissions (3):

Ambry Genetics
Classification: Uncertain significance for Hereditary cancer-predisposing syndrome. Last evaluated: 2024-08-02. Review status: criteria provided, single submitter. Criteria: Ambry Variant Classification Scheme 2023. Collection method: clinical testing. Allele origin: germline.
Comment: The p.P150S variant (also known as c.448C>T), located in coding exon 5 of the PMS2 gene, results from a C to T substitution at nucleotide position 448. The proline at codon 150 is replaced by serine, an amino acid with similar properties. This amino acid position is well conserved in available vertebrate species. In addition, the in silico prediction for this alteration is inconclusive. Since supporting evidence is limited at this time, the clinical significance of this alteration remains unclear.

Labcorp Genetics (formerly Invitae), Labcorp
Classification: Uncertain significance for Hereditary nonpolyposis colorectal neoplasms. Last evaluated: 2024-05-29. Review status: criteria provided, single submitter. Criteria: Invitae Variant Classification Sherloc (09022015). Collection method: clinical testing. Allele origin: germline.
Comment: This sequence change replaces proline, which is neutral and non-polar, with serine, which is neutral and polar, at codon 150 of the PMS2 protein (p.Pro150Ser). This variant is not present in population databases (gnomAD no frequency). This variant has not been reported in the literature in individuals affected with PMS2-related conditions. ClinVar contains an entry for this variant (Variation ID: 411033). Advanced modeling of protein sequence and biophysical properties (such as structural, functional, and spatial information, amino acid conservation, physicochemical variation, residue mobility, and thermodynamic stability) performed at Invitae indicates that this missense variant is not expected to disrupt PMS2 protein function with a negative predictive value of 80%. In summary, the available evidence is currently insufficient to determine the role of this variant in disease. Therefore, it has been classified as a Variant of Uncertain Significance.

Color Diagnostics, LLC DBA Color Health
Classification: Uncertain significance for Hereditary cancer-predisposing syndrome. Last evaluated: 2023-12-04. Review status: criteria provided, single submitter. Criteria: ACMG Guidelines, 2015. Collection method: clinical testing. Allele origin: germline.
Comment: This missense variant replaces proline with serine at codon 150 of the PMS2 protein. Computational prediction suggests that this variant may not impact protein structure and function (internally defined REVEL score threshold <= 0.5, PMID: 27666373). To our knowledge, functional studies have not been reported for this variant. This variant has not been reported in individuals affected with PMS2-related disorders in the literature. This variant has not been identified in the general population by the Genome Aggregation Database (gnomAD). The available evidence is insufficient to determine the role of this variant in disease conclusively. Therefore, this variant is classified as a Variant of Uncertain Significance.